The following is an entry in ClinVar:

ClinVar aggregate classification (germline): Likely benign (1 of 4 stars; one submission).

Conditions:
Arrhythmogenic right ventricular dysplasia 11. Also called: Arrhythmogenic Right Ventricular Dysplasia/Cardiomyopathy11; ARRHYTHMOGENIC RIGHT VENTRICULAR DYSPLASIA, FAMILIAL, 11; Arrhythmogenic right ventricular dysplasia 11 with mild palmoplantar keratoderma and woolly hair. Identifiers: MedGen C1864850, MONDO:0012506, OMIM 610476.

Allele frequency attached by ClinVar (database versions not stated): TOPMed 0.00266; gnomAD 0.00235 and 0.00248; 1000 Genomes Project 0.00240; 1000 Genomes Project 30x 0.00234.
gnomAD v4.1: 352 of 151,878 alleles (0.23%); highest among the groups gnomAD compares: African/African-American, 0.82%; 3 homozygotes.

Submission:

Illumina Laboratory Services, Illumina
Classification: Likely benign for Arrhythmogenic right ventricular dysplasia 11. Last evaluated: 2018-01-12. Review status: criteria provided, single submitter. Criteria: ICSL Variant Classification Criteria 13 December 2019. Collection method: clinical testing. Allele origin: germline.
Comment: This variant was observed in the ICSL laboratory as part of a predisposition screen in an ostensibly healthy population. It had not been previously curated by ICSL or reported in the Human Gene Mutation Database (HGMD: prior to June 1st, 2018), and was therefore a candidate for classification through an automated scoring system. Utilizing variant allele frequency, disease prevalence and penetrance estimates, and inheritance mode, an automated score was calculated to assess if this variant is too frequent to cause the disease. Based on the score and internal cut-off values, a variant classified as likely benign is not then subjected to further curation. The score for this variant resulted in a classification of likely benign for this disease.

NM_024422.6(DSC2):c.*1475G>C

Gene: DSC2 (desmocollin 2; minus strand). Cytogenetic location: 18q12.1.
Variant type: single nucleotide variant.
Coding change: c.*1475G>C on transcript NM_024422.6 (MANE Select); 1475 bases downstream of the stop codon, G replaced by C.
Molecular consequence: 3 prime UTR variant.
Genome position (GRCh38, 1-based): chr18:31,066,540, C>G on the plus strand (G>C on the coding strand, the complement: DSC2 is on the minus strand). VCF-style: chr18-31066540-C-G. GRCh37 (hg19) VCF-style: chr18-28646506-C-G.
Other names: c.*1683G>C (NM_004949.5).
Identifiers: ClinVar variation 326363 (VCV000326363.5), dbSNP rs180728052, ClinGen allele CA10650709.
Genomic context (GRCh38, chr18:31,066,540, plus strand): 5'-TAAGATAAGCTGGTTATCAAATAATTCCCTAGTGTTAATCTGGCAAATAATTGTTATAAC[C>G]CAATCTTGTGAATTGAAGACAGGCACATTATAGATAATCAAAAATATTAGAAACACATTT-3'